The following is an entry in ClinVar:

ClinVar aggregate classification (germline): Likely benign (1 of 4 stars; one submission).

Submission:

Women's Health and Genetics/Laboratory Corporation of America, LabCorp
Classification: Likely benign. Last evaluated: 2025-03-07. Review status: criteria provided, single submitter. Criteria: LabCorp Variant Classification Summary - May 2015. Collection method: clinical testing. Allele origin: germline.
Comment: Variant summary: TTN c.38192-15delT alters a conserved nucleotide located at a position not widely known to affect splicing. The variant was absent in 236718 control chromosomes. The available data on variant occurrences in the general population are insufficient to allow any conclusion about variant significance. To our knowledge, no occurrence of c.38192-15delT in individuals affected with Dilated Cardiomyopathy and no experimental evidence demonstrating its impact on protein function have been reported. No submitters have cited clinical-significance assessments for this variant to ClinVar. Based on the evidence outlined above, the variant was classified as likely benign.

NM_001267550.2(TTN):c.45896-15del

Gene: TTN (titin; minus strand). Cytogenetic location: 2q31.2.
Variant type: Deletion.
Coding change: c.45896-15del on transcript NM_001267550.2 (MANE Select); 15 bases into the intron before coding-DNA position 45896, one base deleted (T; older notation c.45896-15delT).
Molecular consequence: intron variant.
Genome position (GRCh38, 1-based): chr2:178,620,640, A deleted on the plus strand (T on the coding strand, the reverse complement: TTN is on the minus strand); the first of 5 consecutive A bases (chr2:178,620,640-178,620,644); deleting any one gives the same sequence. VCF-style (leftmost placement, unchanged base first): chr2-178620639-GA-G. GRCh37 (hg19) VCF-style: chr2-179485366-GA-G.
Other names: c.18701-15del (NM_003319.4); c.19277-15del (NM_133437.4); c.19076-15del (NM_133432.3); c.38192-15del (NM_133378.4); c.40973-15del (NM_001256850.1); c.38192-15delT (NM_133378.4).
Identifiers: ClinVar variation 3895783 (VCV003895783.1).